The following is an entry in ClinVar:

NM_152309.3(PIK3AP1):c.2186G>A (p.Arg729His)

Gene: PIK3AP1 (phosphoinositide-3-kinase adaptor protein 1; minus strand). Cytogenetic location: 10q24.1.
Variant type: single nucleotide variant.
Coding change: c.2186G>A on transcript NM_152309.3 (MANE Select); coding-DNA position 2186, G replaced by A.
Protein change: p.Arg729His; replaces arginine 729 with histidine.
Molecular consequence: missense variant.
Genome position (GRCh38, 1-based): chr10:96,604,034, C>T on the plus strand (G>A on the coding strand, the complement: PIK3AP1 is on the minus strand). VCF-style: chr10-96604034-C-T. GRCh37 (hg19) VCF-style: chr10-98363791-C-T.
Other names: short protein forms R729H.
Identifiers: ClinVar variation 474924 (VCV000474924.14), dbSNP rs569632623, ClinGen allele CA5626031.

ClinVar aggregate classification (germline): Benign. Review status: criteria provided, single submitter (1 of 4 stars). 2 submissions from 2 submitters: Benign (1). 1 of the submissions does not count toward it. Last evaluated 2025-12-19.

Conditions:
PIK3AP1-related disorder. Also called: PIK3AP1-related condition.
Infantile spasms. Also called: Infantile spasm. Identifiers: MedGen C3887898, HP:0012469.

Allele frequency attached by ClinVar (database versions not stated): gnomAD 0.00010 and 0.00011; gnomAD exomes 0.00013 and 0.00066; 1000 Genomes Project 30x 0.00016; 1000 Genomes Project 0.00020; TOPMed 0.00030; ExAC 0.00094.
gnomAD v4.1: 200 of 1,604,524 alleles (0.012%); highest among the groups gnomAD compares: Admixed American, 0.32%; no homozygotes.

Submissions (2):

Labcorp Genetics (formerly Invitae), Labcorp
Classification: Benign for Infantile spasms. Last evaluated: 2025-12-19. Review status: criteria provided, single submitter. Criteria: Invitae Variant Classification Sherloc (09022015). Collection method: clinical testing. Allele origin: germline.

PreventionGenetics, part of Exact Sciences
Classification: Likely benign for PIK3AP1-related condition. Last evaluated: 2022-02-15. Review status: no assertion criteria provided. Collection method: clinical testing. Allele origin: germline. Not counted in ClinVar's aggregate classification.
Comment: This variant is classified as likely benign based on ACMG/AMP sequence variant interpretation guidelines (Richards et al. 2015 PMID: 25741868, with internal and published modifications).